The following is an entry in ClinVar:

ClinVar aggregate classification (germline): Uncertain significance. Review status: criteria provided, multiple submitters, no conflicts (2 of 4 stars). 2 submissions from 2 submitters: Uncertain significance (2). Last evaluated 2024-10-27.

Conditions:
Developmental and epileptic encephalopathy, 42 (DEE42A). Also called: DEVELOPMENTAL AND EPILEPTIC ENCEPHALOPATHY 42A; EPILEPTIC ENCEPHALOPATHY, EARLY INFANTILE, 42A; Epileptic encephalopathy, early infantile, 42. Identifiers: MedGen C4310716, MONDO:0014917, OMIM 617106.
Episodic ataxia type 2 (EA2). Also called: ATAXIA, EPISODIC, WITH NYSTAGMUS; ATAXIA, FAMILIAL PAROXYSMAL; CEREBELLAR ATAXIA, PAROXYSMAL, ACETAZOLAMIDE-RESPONSIVE; ACETAZOLAMIDE-RESPONSIVE HEREDITARY PAROXYSMAL CEREBELLAR ATAXIA; CEREBELLOPATHY, HEREDITARY PAROXYSMAL; EPISODIC ATAXIA, NYSTAGMUS-ASSOCIATED. Identifiers: Orphanet 97, MedGen C1720416, MONDO:0007163, OMIM 108500.

Submissions (2):

GeneDx
Classification: Uncertain significance. Last evaluated: 2024-10-27. Review status: criteria provided, single submitter. Criteria: GeneDx Variant Classification Process June 2021. Collection method: clinical testing. Allele origin: germline. Affected: yes.
Comment: Not observed at significant frequency in large population cohorts (gnomAD); In silico analysis supports that this missense variant has a deleterious effect on protein structure/function; Has not been previously published as pathogenic or benign to our knowledge

Labcorp Genetics (formerly Invitae), Labcorp
Classification: Uncertain significance for Developmental and epileptic encephalopathy, 42; Episodic ataxia type 2. Last evaluated: 2022-11-22. Review status: criteria provided, single submitter. Criteria: Invitae Variant Classification Sherloc (09022015). Collection method: clinical testing. Allele origin: germline.
Comment: In summary, the available evidence is currently insufficient to determine the role of this variant in disease. Therefore, it has been classified as a Variant of Uncertain Significance. Advanced modeling of protein sequence and biophysical properties (such as structural, functional, and spatial information, amino acid conservation, physicochemical variation, residue mobility, and thermodynamic stability) performed at Invitae indicates that this missense variant is not expected to disrupt CACNA1A protein function. ClinVar contains an entry for this variant (Variation ID: 949417). This variant has not been reported in the literature in individuals affected with CACNA1A-related conditions. This variant is not present in population databases (gnomAD no frequency). This sequence change replaces histidine, which is basic and polar, with tyrosine, which is neutral and polar, at codon 1871 of the CACNA1A protein (p.His1871Tyr).

NM_001127221.2(CACNA1A):c.5611C>T (p.His1871Tyr)

Gene: CACNA1A (calcium voltage-gated channel subunit alpha1 A; minus strand). Cytogenetic location: 19p13.13.
Variant type: single nucleotide variant.
Coding change: c.5611C>T on transcript NM_001127221.2 (MANE Plus Clinical); coding-DNA position 5611, C replaced by T.
Protein change: p.His1871Tyr; replaces histidine 1871 with tyrosine.
Molecular consequence: missense variant. On other transcripts: intron variant (4).
Genome position (GRCh38, 1-based): chr19:13,228,716, G>A on the plus strand (C>T on the coding strand, the complement: CACNA1A is on the minus strand). VCF-style: chr19-13228716-G-A. GRCh37 (hg19) VCF-style: chr19-13339530-G-A.
Other names: c.5529-1189C>T (NM_001127222.2); c.5538-1189C>T (NM_001174080.2); c.5547-1189C>T (NM_000068.4, NM_023035.3); short protein forms H1871Y.
Identifiers: ClinVar variation 949417 (VCV000949417.11), dbSNP rs2055560659, ClinGen allele CA404331448.